The following is an entry in ClinVar:

ClinVar aggregate classification (germline): Uncertain significance (1 of 4 stars; one submission).

gnomAD v4.1: 1 of 1,612,454 alleles (0.000062%); highest among the groups gnomAD compares: African/African-American, 0.0013%; no homozygotes.

Submission:

Labcorp Genetics (formerly Invitae), Labcorp
Classification: Uncertain significance. Last evaluated: 2022-10-07. Review status: criteria provided, single submitter. Criteria: Invitae Variant Classification Sherloc (09022015). Collection method: clinical testing. Allele origin: germline.
Comment: In summary, the available evidence is currently insufficient to determine the role of this variant in disease. Therefore, it has been classified as a Variant of Uncertain Significance. This sequence change replaces proline, which is neutral and non-polar, with arginine, which is basic and polar, at codon 717 of the COL11A2 protein (p.Pro717Arg). This variant is not present in population databases (gnomAD no frequency). This variant has not been reported in the literature in individuals affected with COL11A2-related conditions. Advanced modeling of protein sequence and biophysical properties (such as structural, functional, and spatial information, amino acid conservation, physicochemical variation, residue mobility, and thermodynamic stability) performed at Invitae indicates that this missense variant is not expected to disrupt COL11A2 protein function.

NM_080680.3(COL11A2):c.2150C>G (p.Pro717Arg)

Gene: COL11A2 (collagen type XI alpha 2 chain; minus strand). Cytogenetic location: 6p21.32.
Variant type: single nucleotide variant.
Coding change: c.2150C>G on transcript NM_080680.3 (MANE Select); coding-DNA position 2150, C replaced by G.
Protein change: p.Pro717Arg; replaces proline 717 with arginine.
Molecular consequence: missense variant.
Genome position (GRCh38, 1-based): chr6:33,176,452, G>C on the plus strand (C>G on the coding strand, the complement: COL11A2 is on the minus strand). VCF-style: chr6-33176452-G-C. GRCh37 (hg19) VCF-style: chr6-33144229-G-C.
Other names: c.1829C>G, p.Pro610Arg (NM_080679.3); c.1892C>G, p.Pro631Arg (NM_080681.3); short protein forms P610R, P631R, P717R.
Identifiers: ClinVar variation 1719910 (VCV001719910.6), dbSNP rs45526935, ClinGen allele CA363649952.